The following is an entry in ClinVar:

ClinVar aggregate classification (germline): Likely benign. Review status: criteria provided, multiple submitters, no conflicts (2 of 4 stars). 4 submissions from 4 submitters: Likely benign (4). Last evaluated 2025-12-01.

Conditions:
Microvascular complications of diabetes, susceptibility to, 3. Identifiers: MedGen C2675470, MONDO:0012963, OMIM 612624.
Hemorrhage, intracerebral, susceptibility to (ICH). Also called: Stroke, hemorrhagic, susceptibility to. Identifiers: MedGen C3281105, MONDO:0100533, OMIM 614519.
Renal tubular dysgenesis of genetic origin. Also called: PRIMITIVE RENAL TUBULE SYNDROME. Identifiers: Orphanet 97369, MedGen C5681536, MONDO:0009970, OMIM 267430.

Allele frequency attached by ClinVar (database versions not stated): ESP Exome Variant Server 0.00008; gnomAD 0.00011; ExAC 0.00013; TOPMed 0.00014; gnomAD exomes 0.00021 and 0.00031.
gnomAD v4.1: 462 of 1,614,126 alleles (0.029%); highest among the groups gnomAD compares: Middle Eastern, 0.049%; 2 homozygotes.

Submissions (4):

CeGaT Center for Human Genetics Tuebingen
Classification: Likely benign. Last evaluated: 2025-12-01. Review status: criteria provided, single submitter. Criteria: CeGaT Center For Human Genetics Tuebingen Variant Classification Criteria Version 2. Collection method: clinical testing. Allele origin: germline. Affected: yes. Observed: 1 variant allele.
Comment: ACE: BP4, BS2

Labcorp Genetics (formerly Invitae), Labcorp
Classification: Likely benign. Last evaluated: 2025-07-27. Review status: criteria provided, single submitter. Criteria: Invitae Variant Classification Sherloc (09022015). Collection method: clinical testing. Allele origin: germline.

Blueprint Genetics
Classification: Likely benign. Last evaluated: 2024-11-04. Review status: criteria provided, single submitter. Criteria: ACMG Guidelines, 2015. Collection method: clinical testing. Allele origin: germline.

Fulgent Genetics
Classification: Likely benign for Renal tubular dysgenesis of genetic origin; Microvascular complications of diabetes, susceptibility to, 3; Hemorrhage, intracerebral, susceptibility to. Last evaluated: 2021-09-29. Review status: criteria provided, single submitter. Criteria: ACMG Guidelines, 2015. Collection method: clinical testing. Allele origin: unknown.

NM_000789.4(ACE):c.3381-4C>T

Gene: ACE (angiotensin I converting enzyme; plus strand). Cytogenetic location: 17q23.3.
Variant type: single nucleotide variant.
Coding change: c.3381-4C>T on transcript NM_000789.4 (MANE Select); 4 bases into the intron before coding-DNA position 3381, C replaced by T.
Molecular consequence: intron variant.
Genome position (GRCh38, 1-based): chr17:63,496,390, C>T. VCF-style: chr17-63496390-C-T. GRCh37 (hg19) VCF-style: chr17-61573751-C-T.
Other names: c.2529-4C>T (NM_001382701.1); c.2814-4C>T (NM_001382700.1); c.1659-4C>T (NM_152830.3); c.1659-408C>T (NM_001178057.2); c.1119-408C>T (NM_001382702.1).
Identifiers: ClinVar variation 1664483 (VCV001664483.15), dbSNP rs201962955, ClinGen allele CA8700488.
Genomic context (GRCh38, chr17:63,496,390, plus strand): 5'-GGGGCCCAGTGGCACAAGGCCCTCAACCAACTCCGCCCCGGGCCACGGCCTCGCTCTGCT[C>T]CAGGTACTTTGTCAGCTTCATCATCCAGTTCCAGTTCCACGAGGCACTGTGCCAGGCAGC-3'